The following is an entry in ClinVar:

NM_000023.3(SGCA):c.586delG

Gene: SGCA (sarcoglycan alpha; plus strand). Cytogenetic location: 17q21.33.
Variant type: Deletion.
Coding change: c.586delG on transcript NM_000023.3; coding-DNA position 586, one base deleted (G).
Molecular consequence: intron variant (on NM_001135697.3).
Genome position (GRCh38, 1-based): chr17:50,169,093, G deleted; the last of 3 consecutive G bases (chr17:50,169,091-50,169,093); deleting any one gives the same sequence. VCF-style (leftmost placement, unchanged base first): chr17-50169090-AG-A. GRCh37 (hg19) VCF-style: chr17-48246451-AG-A.
Other names: c.584+521del (NM_001135697.3).
Identifiers: ClinVar variation 504013 (VCV000504013.8), dbSNP rs1220674950, ClinGen allele CA658798903.

ClinVar aggregate classification (germline): Pathogenic/Likely pathogenic. Review status: criteria provided, multiple submitters, no conflicts (2 of 4 stars). 4 submissions from 4 submitters: Pathogenic (1); Likely pathogenic (2). 1 of the submissions does not count toward it. Last evaluated 2025-09-08.

Conditions:
Autosomal recessive limb-girdle muscular dystrophy type 2D (LGMDR3). Also called: MUSCULAR DYSTROPHY, LIMB-GIRDLE, AUTOSOMAL RECESSIVE 3; ADHALINOPATHY, PRIMARY; DUCHENNE-LIKE AUTOSOMAL RECESSIVE MUSCULAR DYSTROPHY, TYPE 2. Identifiers: Orphanet 62, MedGen C2936332, MONDO:0011968, OMIM 608099. Disease mechanism: Affects gamma-sarcoglycan and also disrupts the integrity of the entire sarcoglycan complex..

Submissions (4):

Natera, Inc.
Classification: Likely pathogenic for Limb-girdle muscular dystrophy type 2D. Last evaluated: 2025-09-08. Review status: criteria provided, single submitter. Criteria: Natera Variant Classification Schema (03/2026). Collection method: clinical testing. Allele origin: germline.
Comment: The c.586delG variant in SGCA is a frameshift variant predicted to shift the reading frame beginning at codon 196 and leads to a stop codon 15 codons downstream. This variant is expected to result in nonsense mediated decay, truncation, or a dysfunctional protein product. This variant is rare in the general population with a frequency below the threshold expected for the associated phenotype(s). Given the available evidence, this variant is classified as Likely Pathogenic.

Labcorp Genetics (formerly Invitae), Labcorp
Classification: Pathogenic for Autosomal recessive limb-girdle muscular dystrophy type 2D. Last evaluated: 2024-11-11. Review status: criteria provided, single submitter. Criteria: Invitae Variant Classification Sherloc (09022015). Collection method: clinical testing. Allele origin: germline.
Comment: This sequence change creates a premature translational stop signal (p.Val196Tyrfs*15) in the SGCA gene. It is expected to result in an absent or disrupted protein product. Loss-of-function variants in SGCA are known to be pathogenic (PMID: 9192266). This variant is not present in population databases (gnomAD no frequency). This variant has not been reported in the literature in individuals affected with SGCA-related conditions. ClinVar contains an entry for this variant (Variation ID: 504013). Algorithms developed to predict the effect of sequence changes on RNA splicing suggest that this variant may disrupt the consensus splice site. For these reasons, this variant has been classified as Pathogenic.

GeneDx
Classification: Likely pathogenic. Last evaluated: 2018-01-04. Review status: criteria provided, single submitter. Criteria: GeneDx Variant Classification (06012015). Collection method: clinical testing. Allele origin: germline. Affected: yes.
Comment: The c.586delG variant is not observed in large population cohorts (Lek et al., 2016). The c.586delG variant causes a frameshift starting with codon Valine 196, changes this amino acid to a Tyrosine residue and creates a premature Stop codon at position 15 of the new reading frame, denoted p.Val196TyrfsX15. This variant is predicted to cause loss of normal protein function either through protein truncation or nonsense-mediated mRNA decay. Although this variant has not been reported previously to our knowledge, other loss-of-function variants in the SGCA gene have been reported in the Human Gene Mutation Database in association with SGCA-related disorders (Stenson et al., 2014).

Counsyl
Classification: Likely pathogenic for Autosomal recessive limb-girdle muscular dystrophy type 2D. Last evaluated: 2015-08-25. Review status: no assertion criteria provided. Collection method: clinical testing. Allele origin: unknown. Not counted in ClinVar's aggregate classification.

Literature cited by the submitters: PubMed 9192266 (cited by Labcorp Genetics (formerly Invitae), Labcorp).